The following is an entry in ClinVar:

ClinVar aggregate classification (germline): Uncertain significance. Review status: criteria provided, multiple submitters, no conflicts (2 of 4 stars). 2 submissions from 2 submitters: Uncertain significance (2). Last evaluated 2022-06-28.

Conditions:
Inborn genetic diseases. Identifiers: MedGen C0950123, MeSH D030342.

Allele frequency attached by ClinVar (database versions not stated): TOPMed 0.00002; gnomAD 0.00003; gnomAD exomes 0.00003; ExAC 0.00009.

Submissions (2):

Labcorp Genetics (formerly Invitae), Labcorp
Classification: Uncertain significance. Last evaluated: 2022-06-28. Review status: criteria provided, single submitter. Criteria: Invitae Variant Classification Sherloc (09022015). Collection method: clinical testing. Allele origin: germline.
Comment: This sequence change replaces valine, which is neutral and non-polar, with methionine, which is neutral and non-polar, at codon 1814 of the MYO18B protein (p.Val1814Met). The frequency data for this variant in the population databases is considered unreliable, as metrics indicate poor data quality at this position in the gnomAD database. This variant has not been reported in the literature in individuals affected with MYO18B-related conditions. Algorithms developed to predict the effect of missense changes on protein structure and function are either unavailable or do not agree on the potential impact of this missense change (SIFT: "Not Available"; PolyPhen-2: "Possibly Damaging"; Align-GVGD: "Not Available"). In summary, the available evidence is currently insufficient to determine the role of this variant in disease. Therefore, it has been classified as a Variant of Uncertain Significance.

Ambry Genetics
Classification: Uncertain significance for Inborn genetic diseases. Last evaluated: 2021-10-29. Review status: criteria provided, single submitter. Criteria: Ambry Variant Classification Scheme 2023. Collection method: clinical testing. Allele origin: germline.

NM_032608.7(MYO18B):c.5440G>A (p.Val1814Met)

Gene: MYO18B (myosin XVIIIB; plus strand). Cytogenetic location: 22q12.1.
Variant type: single nucleotide variant.
Coding change: c.5440G>A on transcript NM_032608.7 (MANE Select); coding-DNA position 5440, G replaced by A.
Protein change: p.Val1814Met; replaces valine 1814 with methionine.
Molecular consequence: missense variant.
Genome position (GRCh38, 1-based): chr22:25,921,332, G>A. VCF-style: chr22-25921332-G-A. GRCh37 (hg19) VCF-style: chr22-26317299-G-A.
Other names: c.5443G>A, p.Val1815Met (NM_001318245.2); c.5440G>A (NM_032608.5); short protein forms V1814M, V1815M.
Identifiers: ClinVar variation 1486485 (VCV001486485.6), dbSNP rs767004218, ClinGen allele CA10161163.